The following is an entry in ClinVar:

NM_000038.6(APC):c.8378G>A (p.Ser2793Asn)

Gene: APC (APC regulator of Wnt signaling pathway; plus strand). Cytogenetic location: 5q22.2.
Variant type: single nucleotide variant.
Coding change: c.8378G>A on transcript NM_000038.6 (MANE Select); coding-DNA position 8378, G replaced by A.
Protein change: p.Ser2793Asn; replaces serine 2793 with asparagine.
Molecular consequence: missense variant.
Genome position (GRCh38, 1-based): chr5:112,843,972, G>A. VCF-style: chr5-112843972-G-A. GRCh37 (hg19) VCF-style: chr5-112179669-G-A.
Other names: c.8378G>A, p.Ser2793Asn (NM_001127510.3, NM_001354895.2); c.8324G>A, p.Ser2775Asn (NM_001127511.3); c.8432G>A, p.Ser2811Asn (NM_001354896.2); c.8408G>A, p.Ser2803Asn (NM_001354897.2); c.8303G>A, p.Ser2768Asn (NM_001354898.2); c.8294G>A, p.Ser2765Asn (NM_001354899.2); c.8255G>A, p.Ser2752Asn (NM_001354900.2); c.8201G>A, p.Ser2734Asn (NM_001354901.2); and 5 more; short protein forms S2775N, S2793N, S2667N, S2734N, S2811N, S2702N, S2633N, S2692N.
Identifiers: ClinVar variation 438891 (VCV000438891.30), dbSNP rs374853436, ClinGen allele CA16039514.

ClinVar aggregate classification (germline): Uncertain significance. Review status: criteria provided, multiple submitters, no conflicts (2 of 4 stars). 9 submissions from 9 submitters: Uncertain significance (9). Last evaluated 2026-02-06.

Conditions:
APC-related disorder. Also called: APC-related condition.
Classic or attenuated familial adenomatous polyposis. Identifiers: MedGen CN372698, MONDO:0021057.
Hereditary cancer-predisposing syndrome. Also called: Hereditary Cancer Syndrome; Tumor predisposition; Hereditary neoplastic syndrome; Neoplastic Syndromes, Hereditary. Identifiers: Orphanet 140162, MedGen C0027672, MeSH D009386, MONDO:0015356.
Familial adenomatous polyposis 1 (FAP1). Also called: FAMILIAL ADENOMATOUS POLYPOSIS 1, ATTENUATED; POLYPOSIS, ADENOMATOUS INTESTINAL. Identifiers: MedGen C2713442, MONDO:0021056, OMIM 175100. Disease mechanism: loss of function.

Allele frequency attached by ClinVar (database versions not stated): gnomAD 0.00001; gnomAD exomes 0.00001; TOPMed 0.00002; ESP Exome Variant Server 0.00008.
gnomAD v4.1: 12 of 1,604,188 alleles (0.00075%); highest among the groups gnomAD compares: Non-Finnish European, 0.001%; no homozygotes.

Submissions (9):

PreventionGenetics, part of Exact Sciences
Classification: Uncertain significance for APC-related condition. Last evaluated: 2026-02-06. Review status: criteria provided, single submitter. Criteria: ACMG Guidelines, 2015. Collection method: clinical testing. Allele origin: germline.
Comment: The APC c.8378G>A variant is predicted to result in the amino acid substitution p.Ser2793Asn. To our knowledge, this variant has not been reported in the literature or in a large population database (gnomAD) and in ClinVar, this variant has been reported as uncertain (Variation ID: 438891). At this time, the clinical significance of this variant is uncertain due to the absence of conclusive functional and genetic evidence.

Labcorp Genetics (formerly Invitae), Labcorp
Classification: Uncertain significance for Familial adenomatous polyposis 1. Last evaluated: 2026-01-27. Review status: criteria provided, single submitter. Criteria: Invitae Variant Classification Sherloc (09022015). Collection method: clinical testing. Allele origin: germline.
Comment: This sequence change replaces serine, which is neutral and polar, with asparagine, which is neutral and polar, at codon 2793 of the APC protein (p.Ser2793Asn). This variant is not present in population databases (gnomAD no frequency). This variant has not been reported in the literature in individuals affected with APC-related conditions. ClinVar contains an entry for this variant (Variation ID: 438891). Invitae Evidence Modeling of protein sequence and biophysical properties (such as structural, functional, and spatial information, amino acid conservation, physicochemical variation, residue mobility, and thermodynamic stability) indicates that this missense variant is not expected to disrupt APC protein function with a negative predictive value of 95%. In summary, the available evidence is currently insufficient to determine the role of this variant in disease. Therefore, it has been classified as a Variant of Uncertain Significance.

Baylor Genetics
Classification: Uncertain significance for Familial adenomatous polyposis 1. Last evaluated: 2024-02-15. Review status: criteria provided, single submitter. Criteria: ACMG Guidelines, 2015. Collection method: clinical testing. Allele origin: unknown.

Ambry Genetics
Classification: Uncertain significance for Hereditary cancer-predisposing syndrome. Last evaluated: 2023-12-22. Review status: criteria provided, single submitter. Criteria: Ambry Variant Classification Scheme 2023. Collection method: clinical testing. Allele origin: germline.
Comment: The p.S2793N variant (also known as c.8378G>A), located in coding exon 15 of the APC gene, results from a G to A substitution at nucleotide position 8378. The serine at codon 2793 is replaced by asparagine, an amino acid with highly similar properties. This amino acid position is highly conserved in available vertebrate species. In addition, in silico predictors for this gene do not accurately predict pathogenicity. Since supporting evidence is limited at this time, the clinical significance of this alteration remains unclear.

All of Us Research Program, National Institutes of Health
Classification: Uncertain significance for Classic or attenuated familial adenomatous polyposis. Last evaluated: 2023-12-13. Review status: criteria provided, single submitter. Criteria: ACMG Guidelines, 2015. Collection method: clinical testing. Allele origin: germline. Inheritance: Autosomal dominant inheritance. Observed: 1 variant allele, 1 heterozygote.
Comment: This missense variant replaces serine with asparagine at codon 2793 of the APC protein. Computational prediction suggests that this variant may not impact protein structure and function (internally defined REVEL score threshold <= 0.5, PMID: 27666373). To our knowledge, functional studies have not been reported for this variant. This variant has not been reported in individuals affected with APC-related disorders in the literature. This variant has not been identified in the general population by the Genome Aggregation Database (gnomAD). The available evidence is insufficient to determine the role of this variant in disease conclusively. Therefore, this variant is classified as a Variant of Uncertain Significance.

This study involves interpretation of variants in research participants for the purpose of population health screening. Participant phenotype was not available at the time of variant classification. Additional details can be found in publication PMID: 35346344, PMCID: PMC8962531

Color Diagnostics, LLC DBA Color Health
Classification: Uncertain significance for Hereditary cancer-predisposing syndrome. Last evaluated: 2023-11-15. Review status: criteria provided, single submitter. Criteria: ACMG Guidelines, 2015. Collection method: clinical testing. Allele origin: germline.
Comment: This missense variant replaces serine with asparagine at codon 2793 of the APC protein. Computational prediction suggests that this variant may not impact protein structure and function (internally defined REVEL score threshold <= 0.5, PMID: 27666373). To our knowledge, functional studies have not been reported for this variant. This variant has not been reported in individuals affected with APC-related disorders in the literature. This variant has not been identified in the general population by the Genome Aggregation Database (gnomAD). The available evidence is insufficient to determine the role of this variant in disease conclusively. Therefore, this variant is classified as a Variant of Uncertain Significance.

Women's Health and Genetics/Laboratory Corporation of America, LabCorp
Classification: Uncertain significance. Last evaluated: 2023-08-11. Review status: criteria provided, single submitter. Criteria: LabCorp Variant Classification Summary - May 2015. Collection method: clinical testing. Allele origin: germline.

Genetic Services Laboratory, University of Chicago
Classification: Uncertain significance. Last evaluated: 2020-11-05. Review status: criteria provided, single submitter. Criteria: ACMG Guidelines, 2015. Collection method: clinical testing. Allele origin: germline. Affected: no.
Comment: DNA sequence analysis of the APC gene demonstrated a sequence change, c.8378G>A, in exon 16 that results in an amino acid change, p.Ser2793Asn. This sequence change does not appear to have been previously described in patients with APC-related disorders and has also not been described in population databases (gnomAD, ExAC). The p.Ser2793Asn change affects a highly conserved amino acid residue located in a domain of the APC protein that is known to be functional. The p.Ser2793Asn substitution appears to be benign using several in-silico pathogenicity prediction tools (SIFT, PolyPhen2, Align GVGD, REVEL). Due to these contrasting evidences and the lack of functional studies, the clinical significance of the p.Ser2793Asn change remains unknown at this time.

Quest Diagnostics Nichols Institute San Juan Capistrano
Classification: Uncertain significance. Last evaluated: 2018-11-21. Review status: criteria provided, single submitter. Criteria: Quest Diagnostics criteria. Collection method: clinical testing. Allele origin: germline.